The following is an entry in ClinVar:

ClinVar aggregate classification (germline): Uncertain significance (1 of 4 stars; one submission).

Conditions:
Dilated cardiomyopathy 1M (CMD1M). Identifiers: Orphanet 154, MedGen C1843808, MONDO:0011840, OMIM 607482.
Hypertrophic cardiomyopathy 12. Identifiers: MedGen C2677491, MONDO:0012804, OMIM 612124.

Submission:

Labcorp Genetics (formerly Invitae), Labcorp
Classification: Uncertain significance for Hypertrophic cardiomyopathy 12; Dilated cardiomyopathy 1M. Last evaluated: 2025-11-08. Review status: criteria provided, single submitter. Criteria: Invitae Variant Classification Sherloc (09022015). Collection method: clinical testing. Allele origin: germline.
Comment: This sequence change replaces cysteine, which is neutral and slightly polar, with tyrosine, which is neutral and polar, at codon 123 of the CSRP3 protein (p.Cys123Tyr). This variant is not present in population databases (gnomAD no frequency). This variant has not been reported in the literature in individuals affected with CSRP3-related conditions. An algorithm developed to predict the effect of missense changes on protein structure and function (PolyPhen-2) suggests that this variant is likely to be disruptive. In summary, the available evidence is currently insufficient to determine the role of this variant in disease. Therefore, it has been classified as a Variant of Uncertain Significance.

NM_003476.5(CSRP3):c.368G>A (p.Cys123Tyr)

Gene: CSRP3 (cysteine and glycine rich protein 3; minus strand). Cytogenetic location: 11p15.1.
Variant type: single nucleotide variant.
Coding change: c.368G>A on transcript NM_003476.5 (MANE Select); coding-DNA position 368, G replaced by A.
Protein change: p.Cys123Tyr; replaces cysteine 123 with tyrosine.
Molecular consequence: missense variant.
Genome position (GRCh38, 1-based): chr11:19,186,262, C>T on the plus strand (G>A on the coding strand, the complement: CSRP3 is on the minus strand). VCF-style: chr11-19186262-C-T. GRCh37 (hg19) VCF-style: chr11-19207809-C-T.
Other names: c.199G>A, p.Val67Met (NM_001369404.1); short protein forms C123Y, V67M.
Identifiers: ClinVar variation 4790645 (VCV004790645.1).